The following is an entry in ClinVar:

ClinVar aggregate classification (germline): Benign (1 of 4 stars; one submission).

Allele frequency attached by ClinVar (database versions not stated): 1000 Genomes Project 0.00240; 1000 Genomes Project 30x 0.00265; TOPMed 0.00818; gnomAD 0.00959; gnomAD exomes 0.01004.

Submission:

CeGaT Center for Human Genetics Tuebingen
Classification: Benign. Last evaluated: 2023-02-01. Review status: criteria provided, single submitter. Criteria: CeGaT Center For Human Genetics Tuebingen Variant Classification Criteria Version 2. Collection method: clinical testing. Allele origin: germline. Affected: yes. Observed: 2 variant alleles.
Comment: BBIP1: BS1, BS2

NM_001195305.3(BBIP1):c.112+291G>A

Gene: BBIP1 (BBSome interacting protein 1; minus strand). Cytogenetic location: 10q25.2.
Variant type: single nucleotide variant.
Coding change: c.112+291G>A on transcript NM_001195305.3 (MANE Select); 291 bases into the intron after coding-DNA position 112, G replaced by A.
Molecular consequence: intron variant.
Genome position (GRCh38, 1-based): chr10:110,901,247, C>T on the plus strand (G>A on the coding strand, the complement: BBIP1 is on the minus strand). VCF-style: chr10-110901247-C-T. GRCh37 (hg19) VCF-style: chr10-112661005-C-T.
Other names: c.112+291G>A (NM_001195306.2); c.46+291G>A (NM_001243783.3); c.38-721G>A (NM_001195307.2); c.269+291G>A (NM_001195304.2).
Identifiers: ClinVar variation 2640833 (VCV002640833.24), dbSNP rs141417375, ClinGen allele CA13275082.
Genomic context (GRCh38, chr10:110,901,247, plus strand): 5'-AGGCTAGGGCAGGAGCCCAGTAGTTCAAGGCTGCGGTGAGCTACGGTTGTGCCAGCTGTA[C>T]CCAAGCCTGGGTGGCAGAGTGACAACCTGTCTCTTAAAAAAAATTCATATTGTAATTAGG-3'